The following is an entry in ClinVar:

ClinVar aggregate classification (germline): Uncertain significance (1 of 4 stars; one submission).

gnomAD v4.1: 1 of 1,613,566 alleles (0.000062%); highest among the groups gnomAD compares: Non-Finnish European, 0.000085%; no homozygotes.

Submission:

GeneDx
Classification: Uncertain significance. Last evaluated: 2025-05-30. Review status: criteria provided, single submitter. Criteria: GeneDx Variant Classification Process June 2021. Collection method: clinical testing. Allele origin: germline. Affected: yes.
Comment: Not observed at significant frequency in large population cohorts (gnomAD); In silico analysis suggests that this missense variant does not alter protein structure/function; Has not been previously published as pathogenic or benign to our knowledge

NM_004369.4(COL6A3):c.8681C>T (p.Thr2894Ile)

Gene: COL6A3 (collagen type VI alpha 3 chain; minus strand). Cytogenetic location: 2q37.3.
Variant type: single nucleotide variant.
Coding change: c.8681C>T on transcript NM_004369.4 (MANE Select); coding-DNA position 8681, C replaced by T.
Protein change: p.Thr2894Ile; replaces threonine 2894 with isoleucine.
Molecular consequence: missense variant.
Genome position (GRCh38, 1-based): chr2:237,336,419, G>A on the plus strand (C>T on the coding strand, the complement: COL6A3 is on the minus strand). VCF-style: chr2-237336419-G-A. GRCh37 (hg19) VCF-style: chr2-238245062-G-A.
Other names: c.6860C>T, p.Thr2287Ile (NM_057166.5); c.8063C>T, p.Thr2688Ile (NM_057167.4); short protein forms T2287I, T2688I, T2894I.
Identifiers: ClinVar variation 4537937 (VCV004537937.1).